The following is an entry in ClinVar:

ClinVar aggregate classification (germline): Uncertain significance (1 of 4 stars; one submission).

Submission:

Women's Health and Genetics/Laboratory Corporation of America, LabCorp
Classification: Uncertain significance. Last evaluated: 2024-08-09. Review status: criteria provided, single submitter. Criteria: LabCorp Variant Classification Summary - May 2015. Collection method: clinical testing. Allele origin: germline.
Comment: Variant summary: FLNB c.1306A>G (p.Thr436Ala) results in a non-conservative amino acid change in the encoded protein sequence. Four of five in-silico tools predict a benign effect of the variant on protein function. The variant was absent in 250564 control chromosomes. The available data on variant occurrences in the general population are insufficient to allow any conclusion about variant significance. To our knowledge, no occurrence of c.1306A>G in individuals affected with Larsen Syndrome and no experimental evidence demonstrating its impact on protein function have been reported. No submitters have cited clinical-significance assessments for this variant to ClinVar. Based on the evidence outlined above, the variant was classified as uncertain significance.

NM_001457.4(FLNB):c.1306A>G (p.Thr436Ala)

Gene: FLNB (filamin B; plus strand). Cytogenetic location: 3p14.3.
Variant type: single nucleotide variant.
Coding change: c.1306A>G on transcript NM_001457.4 (MANE Select); coding-DNA position 1306, A replaced by G.
Protein change: p.Thr436Ala; replaces threonine 436 with alanine.
Molecular consequence: missense variant.
Genome position (GRCh38, 1-based): chr3:58,098,869, A>G. VCF-style: chr3-58098869-A-G. GRCh37 (hg19) VCF-style: chr3-58084596-A-G.
Other names: c.1306A>G, p.Thr436Ala (NM_001164317.2, NM_001164318.2, NM_001164319.2); short protein forms T436A.
Identifiers: ClinVar variation 3366357 (VCV003366357.1).